The following is an entry in ClinVar:

ClinVar aggregate classification (germline): Uncertain significance. Review status: criteria provided, multiple submitters, no conflicts (2 of 4 stars). 3 submissions from 3 submitters: Uncertain significance (3). Last evaluated 2023-11-10.

Conditions:
Hereditary cancer-predisposing syndrome. Also called: Hereditary Cancer Syndrome; Hereditary neoplastic syndrome; Neoplastic Syndromes, Hereditary; Tumor predisposition. Identifiers: Orphanet 140162, MedGen C0027672, MeSH D009386, MONDO:0015356.
Hereditary breast ovarian cancer syndrome. Also called: BRCA1- and BRCA2-Associated Hereditary Breast and Ovarian Cancer; Hereditary breast and ovarian cancer syndrome (HBOC); Hereditary breast and ovarian cancer syndrome; Breast and ovarian cancer; Hereditary breast and ovarian cancer; Hereditary breast and/or ovarian cancer syndrome. Identifiers: Orphanet 145, MedGen C0677776, MeSH D061325, MONDO:0003582. Disease mechanism: loss of function.

Submissions (4):

Labcorp Genetics (formerly Invitae), Labcorp
Classification: Uncertain significance for Hereditary breast ovarian cancer syndrome. Last evaluated: 2023-11-10. Review status: criteria provided, single submitter. Criteria: Invitae Variant Classification Sherloc (09022015). Collection method: clinical testing. Allele origin: germline.
Comment: This sequence change replaces glutamic acid, which is acidic and polar, with glycine, which is neutral and non-polar, at codon 1683 of the BRCA1 protein (p.Glu1683Gly). This variant is not present in population databases (gnomAD no frequency). This variant has not been reported in the literature in individuals affected with BRCA1-related conditions. ClinVar contains an entry for this variant (Variation ID: 825397). Advanced modeling of protein sequence and biophysical properties (such as structural, functional, and spatial information, amino acid conservation, physicochemical variation, residue mobility, and thermodynamic stability) performed at Invitae indicates that this missense variant is not expected to disrupt BRCA1 protein function with a negative predictive value of 95%. Experimental studies are conflicting or provide insufficient evidence to determine the effect of this variant on BRCA1 function (PMID: 30209399). RNA analysis performed to evaluate the impact of this missense change on mRNA splicing indicates it does not significantly alter splicing (Invitae). In summary, the available evidence is currently insufficient to determine the role of this variant in disease. Therefore, it has been classified as a Variant of Uncertain Significance.

Quest Diagnostics Nichols Institute San Juan Capistrano
Classification: Uncertain significance. Last evaluated: 2023-10-06. Review status: criteria provided, single submitter. Criteria: Quest Diagnostics criteria. Collection method: clinical testing. Allele origin: unknown.

Ambry Genetics
Classification: Uncertain significance for Hereditary cancer-predisposing syndrome. Last evaluated: 2019-12-24. Review status: criteria provided, single submitter. Criteria: Ambry Variant Classification Scheme 2023. Collection method: clinical testing. Allele origin: germline.
Comment: The p.E1683G variant (also known as c.5048A>G), located in coding exon 15 of the BRCA1 gene, results from an A to G substitution at nucleotide position 5048. The glutamic acid at codon 1683 is replaced by glycine, an amino acid with similar properties. This amino acid position is well conserved in available vertebrate species. In addition, the in silico prediction for this alteration is inconclusive. Since supporting evidence is limited at this time, the clinical significance of this alteration remains unclear.

Brotman Baty Institute, University of Washington
No classification provided (evidence only). Condition: Breast-ovarian cancer, familial 1. Review status: no classification provided. Collection method: in vitro. Allele origin: not applicable. Functional consequence: function_uncertain_variant. Not counted in ClinVar's aggregate classification.
ClinVar note: "not provided" was previously submitted as the classification for the variant. However, the classification appeared to be based only on an observation of functional data so it was converted to no classification on 2025-07-30.

Literature cited by the submitters: PubMed 30209399 (cited by Labcorp Genetics (formerly Invitae), Labcorp and Quest Diagnostics Nichols Institute San Juan Capistrano).

NM_007294.4(BRCA1):c.5048A>G (p.Glu1683Gly)

Gene: BRCA1 (BRCA1 DNA repair associated; minus strand). Cytogenetic location: 17q21.31.
Variant type: single nucleotide variant.
Coding change: c.5048A>G on transcript NM_007294.4 (MANE Select); coding-DNA position 5048, A replaced by G.
Protein change: p.Glu1683Gly; replaces glutamic acid 1683 with glycine.
Molecular consequence: missense variant. On other transcripts: non-coding transcript variant (1).
Genome position (GRCh38, 1-based): chr17:43,067,634, T>C on the plus strand (A>G on the coding strand, the complement: BRCA1 is on the minus strand). VCF-style: chr17-43067634-T-C. GRCh37 (hg19) VCF-style: chr17-41219651-T-C.
Other names: c.4835A>G, p.Glu1612Gly (NM_001407571.1, NM_001407894.1, NM_001407895.1 and 12 more transcripts); c.5114A>G, p.Glu1705Gly (NM_001407581.1, NM_001407582.1); c.5111A>G, p.Glu1704Gly (NM_001407583.1, NM_001407585.1, NM_001407587.1 and 1 more transcripts); c.5108A>G, p.Glu1703Gly (NM_001407590.1, NM_001407591.1); c.5048A>G, p.Glu1683Gly (NM_001407593.1, NM_001407594.1, NM_001407596.1 and 8 more transcripts); c.5045A>G, p.Glu1682Gly (NM_001407610.1, NM_001407611.1, NM_001407612.1 and 17 more transcripts); c.5042A>G, p.Glu1681Gly (NM_001407627.1, NM_001407628.1, NM_001407629.1 and 14 more transcripts); c.5039A>G, p.Glu1680Gly (NM_001407644.1, NM_001407645.1); and 70 more; short protein forms E1636G, E1683G, E1704G, E579G, E1529G, E1554G, E1593G, E1613G.
Identifiers: ClinVar variation 825397 (VCV000825397.14), dbSNP rs1597825787, ClinGen allele CA10591422.